The following is an entry in ClinVar:

ClinVar aggregate classification (germline): Benign/Likely benign. Review status: criteria provided, multiple submitters, no conflicts (2 of 4 stars). 3 submissions from 3 submitters: Benign (1); Likely benign (1). 1 of the submissions does not count toward it. Last evaluated 2026-01-24.

Conditions:
LAMA5-related disorder. Also called: LAMA5-Related Disorders; LAMA5-related condition.

Allele frequency attached by ClinVar (database versions not stated): gnomAD 0.00042 and 0.00061; TOPMed 0.00062; 1000 Genomes Project 30x 0.00281; 1000 Genomes Project 0.00359.
gnomAD v4.1: 651 of 1,611,390 alleles (0.04%); highest among the groups gnomAD compares: East Asian, 1.2%; 6 homozygotes.

Submissions (3):

Labcorp Genetics (formerly Invitae), Labcorp
Classification: Benign. Last evaluated: 2026-01-24. Review status: criteria provided, single submitter. Criteria: Invitae Variant Classification Sherloc (09022015). Collection method: clinical testing. Allele origin: germline.

Blueprint Genetics
Classification: Likely benign. Last evaluated: 2024-11-27. Review status: criteria provided, single submitter. Criteria: ACMG Guidelines, 2015. Collection method: clinical testing. Allele origin: germline.

PreventionGenetics, part of Exact Sciences
Classification: Benign for LAMA5-related condition. Last evaluated: 2019-08-26. Review status: no assertion criteria provided. Collection method: clinical testing. Allele origin: germline. Not counted in ClinVar's aggregate classification.
Comment: This variant is classified as benign based on ACMG/AMP sequence variant interpretation guidelines (Richards et al. 2015 PMID: 25741868, with internal and published modifications).

NM_005560.6(LAMA5):c.5148G>C (p.Leu1716=)

Gene: LAMA5 (laminin subunit alpha 5; minus strand). Cytogenetic location: 20q13.33.
Variant type: single nucleotide variant.
Coding change: c.5148G>C on transcript NM_005560.6 (MANE Select); coding-DNA position 5148, G replaced by C.
Protein change: p.Leu1716=; no amino-acid change (leucine 1716 retained).
Molecular consequence: synonymous variant.
Genome position (GRCh38, 1-based): chr20:62,326,931, C>G on the plus strand (G>C on the coding strand, the complement: LAMA5 is on the minus strand). VCF-style: chr20-62326931-C-G. GRCh37 (hg19) VCF-style: chr20-60901987-C-G.
Identifiers: ClinVar variation 731421 (VCV000731421.12), dbSNP rs141871645, ClinGen allele CA9942309.